The following is an entry in ClinVar:

ClinVar aggregate classification (germline): Likely benign (1 of 4 stars; one submission).

Allele frequency attached by ClinVar (database versions not stated): gnomAD 0.00001; TOPMed 0.00003.
gnomAD v4.1: 11 of 1,610,682 alleles (0.00068%); highest among the groups gnomAD compares: East Asian, 0.0045%; no homozygotes.

Submission:

CeGaT Center for Human Genetics Tuebingen
Classification: Likely benign. Last evaluated: 2023-04-01. Review status: criteria provided, single submitter. Criteria: CeGaT Center For Human Genetics Tuebingen Variant Classification Criteria Version 2. Collection method: clinical testing. Allele origin: germline. Affected: yes. Observed: 1 variant allele.
Comment: FGFR3: BP4, BP7

NM_000142.5(FGFR3):c.687C>T (p.Val229=)

Gene: FGFR3 (fibroblast growth factor receptor 3; plus strand). Cytogenetic location: 4p16.3.
Variant type: single nucleotide variant.
Coding change: c.687C>T on transcript NM_000142.5 (MANE Select); coding-DNA position 687, C replaced by T.
Protein change: p.Val229=; no amino-acid change (valine 229 retained).
Molecular consequence: synonymous variant. On other transcripts: non-coding transcript variant (1).
Genome position (GRCh38, 1-based): chr4:1,801,691, C>T. VCF-style: chr4-1801691-C-T. GRCh37 (hg19) VCF-style: chr4-1803418-C-T.
Other names: c.687C>T, p.Val229= (NM_001163213.2, NM_001354809.2, NM_001354810.2 and 1 more transcripts).
Identifiers: ClinVar variation 2654577 (VCV002654577.24), dbSNP rs902537971, ClinGen allele CA91249535.